The following is an entry in ClinVar:

ClinVar aggregate classification (germline): Uncertain significance (1 of 4 stars; one submission).

Conditions:
Developmental and epileptic encephalopathy, 43 (DEE43). Also called: Epileptic encephalopathy, early infantile, 43. Identifiers: MedGen C4310712, MONDO:0014921, OMIM 617113.

Submission:

Victorian Clinical Genetics Services, Murdoch Childrens Research Institute
Classification: Uncertain significance for Developmental and epileptic encephalopathy, 43. Last evaluated: 2020-05-21. Review status: criteria provided, single submitter. Criteria: ACMG Guidelines, 2015. Collection method: clinical testing. Allele origin: germline. Inheritance: Autosomal dominant inheritance.
Comment: A heterozygous missense variant was identified, NM_000814.5(GABRB3):c.1340C>T in exon 9 of the GABRB3 gene. This substitution is predicted to create a minor amino acid change from an alanine to a valine at position 447 of the protein; NP_000805.1(GABRB3):p.(Ala447Val). The alanine at this position has high conservation (100 vertebrates, UCSC), and is located within the neurotransmitter-gated ion-channel transmembrane region (PDB). In silico software predicts this variant to be tolerated (PolyPhen2, PROVEAN, MutationAssessor, FATHMM). The variant is not present in the gnomAD population database. An alternative residue change at the same location has been reported in the gnomAD database at a frequency of 0.0004%. This variant has not previously been reported in clinical cases. Based on information available at the time of curation, this variant has been classified as a VUS with LOW CLINICAL RELEVANCE.

NM_000814.6(GABRB3):c.1340C>T (p.Ala447Val)

Gene: GABRB3 (gamma-aminobutyric acid type A receptor subunit beta3; minus strand). Cytogenetic location: 15q12.
Variant type: single nucleotide variant.
Coding change: c.1340C>T on transcript NM_000814.6 (MANE Select); coding-DNA position 1340, C replaced by T.
Protein change: p.Ala447Val; replaces alanine 447 with valine.
Molecular consequence: missense variant.
Genome position (GRCh38, 1-based): chr15:26,547,875, G>A on the plus strand (C>T on the coding strand, the complement: GABRB3 is on the minus strand). VCF-style: chr15-26547875-G-A. GRCh37 (hg19) VCF-style: chr15-26793022-G-A.
Other names: c.1085C>T, p.Ala362Val (NM_001191320.2, NM_001278631.2); c.1127C>T, p.Ala376Val (NM_001191321.3); c.1340C>T, p.Ala447Val (NM_021912.5); short protein forms A362V, A376V, A447V.
Identifiers: ClinVar variation 1805816 (VCV001805816.1), dbSNP rs2504113979, ClinGen allele CA391458570.